The following is an entry in ClinVar:

ClinVar aggregate classification (germline): Likely benign. Review status: criteria provided, multiple submitters, no conflicts (2 of 4 stars). 2 submissions from 2 submitters: Likely benign (2). Last evaluated 2026-06-01.

Conditions:
Early-infantile DEE. Also called: Ohtahara syndrome; Early infantile epileptic encephalopathy with suppression bursts; Early infantile epileptic encephalopathy. Identifiers: Orphanet 1934, MedGen C0393706, MONDO:0800491.

Allele frequency attached by ClinVar (database versions not stated): ExAC 0.00001; gnomAD 0.00001 and 0.00002; gnomAD exomes 0.00002; TOPMed 0.00002; 1000 Genomes Project 30x 0.00016; 1000 Genomes Project 0.00020.
gnomAD v4.1: 25 of 1,604,444 alleles (0.0016%); highest among the groups gnomAD compares: East Asian, 0.032%; no homozygotes.

Submissions (2):

CeGaT Center for Human Genetics Tuebingen
Classification: Likely benign. Last evaluated: 2026-06-01. Review status: criteria provided, single submitter. Criteria: CeGaT Center For Human Genetics Tuebingen Variant Classification Criteria Version 2. Collection method: clinical testing. Allele origin: germline. Affected: yes. Observed: 1 variant allele.
Comment: SLC25A22: BP4, BP7

Labcorp Genetics (formerly Invitae), Labcorp
Classification: Likely benign for Early-infantile DEE. Last evaluated: 2025-12-30. Review status: criteria provided, single submitter. Criteria: Invitae Variant Classification Sherloc (09022015). Collection method: clinical testing. Allele origin: germline.

NM_001191061.2(SLC25A22):c.861C>T (p.Gly287=)

Gene: SLC25A22 (solute carrier family 25 member 22; minus strand). Cytogenetic location: 11p15.5.
Variant type: single nucleotide variant.
Coding change: c.861C>T on transcript NM_001191061.2 (MANE Select); coding-DNA position 861, C replaced by T.
Protein change: p.Gly287=; no amino-acid change (glycine 287 retained).
Molecular consequence: synonymous variant.
Genome position (GRCh38, 1-based): chr11:792,026, G>A on the plus strand (C>T on the coding strand, the complement: SLC25A22 is on the minus strand). VCF-style: chr11-792026-G-A. GRCh37 (hg19) VCF-style: chr11-792026-G-A.
Other names: c.861C>T, p.Gly287= (NM_001191060.2, NM_024698.6).
Identifiers: ClinVar variation 306258 (VCV000306258.15), dbSNP rs202218399, ClinGen allele CA5789021.
Genomic context (GRCh38, chr11:792,026, plus strand): 5'-GAAGTAGACCACCTGTGCGATGCCGAAAAGGGGCGCGATGACCAGCGCGCGGCAGTAGGC[G>A]CCCTTCAGGAAGGCCGAGGGGCCCTCGTGCCGCAGGATCTTCCTGTGGAGGAAGGACGAA-3'
Protein context (NP_001177990.1, residues 277-297): RHEGPSAFLK[Gly287=]AYCRALVIAP